The following is an entry in ClinVar:

NM_000081.4(LYST):c.6781C>T (p.Arg2261Cys)

Gene: LYST (lysosomal trafficking regulator; minus strand). Cytogenetic location: 1q42.3.
Variant type: single nucleotide variant.
Coding change: c.6781C>T on transcript NM_000081.4 (MANE Select); coding-DNA position 6781, C replaced by T.
Protein change: p.Arg2261Cys; replaces arginine 2261 with cysteine.
Molecular consequence: missense variant.
Genome position (GRCh38, 1-based): chr1:235,759,072, G>A on the plus strand (C>T on the coding strand, the complement: LYST is on the minus strand). VCF-style: chr1-235759072-G-A. GRCh37 (hg19) VCF-style: chr1-235922372-G-A.
Other names: c.6781C>T, p.Arg2261Cys (NM_001301365.1); short protein forms R2261C.
Identifiers: ClinVar variation 876768 (VCV000876768.8), dbSNP rs762117854, ClinGen allele CA1466313.
Genomic context (GRCh38, chr1:235,759,072, plus strand): 5'-CAAGAGAATAGGCAAAGTTTTCCCAATCATCAGTGTTTCTATCAACAAGACTTGGCCAAC[G>A]GCCAACAGCTGCAGATCCGTTCTGTGAAGGAAAAGCTAGCCCAAGGCTTGCAATAGTGCT-3'
Protein context (NP_000072.2, residues 2251-2271): PSQNGSAAVG[Arg2261Cys]WPSLVDRNTD

ClinVar aggregate classification (germline): Uncertain significance. Review status: criteria provided, multiple submitters, no conflicts (2 of 4 stars). 4 submissions from 4 submitters: Uncertain significance (4). Last evaluated 2022-09-13.

Conditions:
Chédiak-Higashi syndrome (CHS). Also called: Chediak-Higashi Syndrome. Identifiers: Orphanet 167, MedGen C0007965, MONDO:0008963, OMIM 214500.

Allele frequency attached by ClinVar (database versions not stated): ExAC 0.00002; gnomAD 0.00002; gnomAD exomes 0.00002; TOPMed 0.00003.
gnomAD v4.1: 27 of 1,613,964 alleles (0.0017%); highest among the groups gnomAD compares: Admixed American, 0.012%; no homozygotes.

Submissions (4):

Labcorp Genetics (formerly Invitae), Labcorp
Classification: Uncertain significance for Chédiak-Higashi syndrome. Last evaluated: 2022-09-13. Review status: criteria provided, single submitter. Criteria: Invitae Variant Classification Sherloc (09022015). Collection method: clinical testing. Allele origin: germline.
Comment: This sequence change replaces arginine, which is basic and polar, with cysteine, which is neutral and slightly polar, at codon 2261 of the LYST protein (p.Arg2261Cys). This variant is present in population databases (rs762117854, gnomAD 0.006%). This variant has not been reported in the literature in individuals affected with LYST-related conditions. ClinVar contains an entry for this variant (Variation ID: 876768). Advanced modeling of protein sequence and biophysical properties (such as structural, functional, and spatial information, amino acid conservation, physicochemical variation, residue mobility, and thermodynamic stability) performed at Invitae indicates that this missense variant is not expected to disrupt LYST protein function. In summary, the available evidence is currently insufficient to determine the role of this variant in disease. Therefore, it has been classified as a Variant of Uncertain Significance.

GeneDx
Classification: Uncertain significance. Last evaluated: 2022-07-13. Review status: criteria provided, single submitter. Criteria: GeneDx Variant Classification Process June 2021. Collection method: clinical testing. Allele origin: germline. Affected: yes.
Comment: Not observed at significant frequency in large population cohorts (gnomAD); In silico analysis supports that this missense variant has a deleterious effect on protein structure/function; Has not been previously published as pathogenic or benign to our knowledge

Blueprint Genetics
Classification: Uncertain significance. Last evaluated: 2021-06-22. Review status: criteria provided, single submitter. Criteria: ACMG Guidelines, 2015. Collection method: clinical testing. Allele origin: germline.

Illumina Laboratory Services, Illumina
Classification: Uncertain significance for Chédiak-Higashi syndrome. Last evaluated: 2018-01-12. Review status: criteria provided, single submitter. Criteria: ICSL Variant Classification Criteria 13 December 2019. Collection method: clinical testing. Allele origin: germline.